The following is an entry in ClinVar:

ClinVar aggregate classification (germline): Likely pathogenic (1 of 4 stars; one submission).

Conditions:
Cockayne syndrome type 2 (CSB). Also called: COCKAYNE SYNDROME B; Cockayne Syndrome, Type II. Identifiers: Orphanet 191, Orphanet 90322, MedGen C0751038, MONDO:0019570, OMIM 133540.

Submission:

Myriad Genetics, Inc.
Classification: Likely pathogenic for Cockayne syndrome type 2. Last evaluated: 2021-12-16. Review status: criteria provided, single submitter. Criteria: Myriad Women's Health Autosomal Recessive and X-Linked Classification Criteria (2021). Collection method: clinical testing. Allele origin: unknown.
Comment: NM_000124.2(ERCC6):c.1905delT(S636Afs*8) is expected to be pathogenic in the context of ERCC6-related disorders. This variant is predicted to lead to an abnormal or absent protein product due to the creation of a premature termination codon in ERCC6, a gene where loss-of-function variants are known to be pathogenic. Please note: this variant was assessed in the context of healthy population screening.

NM_000124.4(ERCC6):c.1905del (p.Ser636fs)

Gene: ERCC6 (ERCC excision repair 6, chromatin remodeling factor; minus strand). Cytogenetic location: 10q11.23.
Variant type: Deletion.
Coding change: c.1905del on transcript NM_000124.4 (MANE Select); coding-DNA position 1905, one base deleted (T; older notation c.1905delT).
Protein change: p.Ser636fs; shifts the reading frame from serine 636.
Molecular consequence: frameshift variant.
Genome position (GRCh38, 1-based): chr10:49,483,433, A deleted on the plus strand (T on the coding strand, the reverse complement: ERCC6 is on the minus strand); the first of 2 consecutive A bases (chr10:49,483,433-49,483,434); deleting either gives the same sequence. VCF-style (leftmost placement, unchanged base first): chr10-49483432-TA-T. GRCh37 (hg19) VCF-style: chr10-50691478-TA-T.
Other names: c.1905del, p.Ser636fs (NM_001346440.2); short protein forms S636fs.
Identifiers: ClinVar variation 1726354 (VCV001726354.2), dbSNP rs2496009062, ClinGen allele CA2580081563.